The following is an entry in ClinVar:

NM_000434.4(NEU1):c.869G>A (p.Arg290Gln)

Gene: NEU1 (neuraminidase 1; minus strand). Cytogenetic location: 6p21.33.
Variant type: single nucleotide variant.
Coding change: c.869G>A on transcript NM_000434.4 (MANE Select); coding-DNA position 869, G replaced by A.
Protein change: p.Arg290Gln; replaces arginine 290 with glutamine.
Molecular consequence: missense variant.
Genome position (GRCh38, 1-based): chr6:31,860,194, C>T on the plus strand (G>A on the coding strand, the complement: NEU1 is on the minus strand). VCF-style: chr6-31860194-C-T. GRCh37 (hg19) VCF-style: chr6-31827971-C-T.
Other names: short protein forms R290Q.
Identifiers: ClinVar variation 870830 (VCV000870830.43), dbSNP rs758877243, ClinGen allele CA3724932.

ClinVar aggregate classification (germline): Conflicting classifications of pathogenicity. Review status: criteria provided, conflicting classifications (1 of 4 stars). 3 submissions from 3 submitters: Likely pathogenic (1); Uncertain significance (2). Last evaluated 2024-08-27.

Allele frequency attached by ClinVar (database versions not stated): gnomAD 0.00001; gnomAD exomes 0.00001; ExAC 0.00002; TOPMed 0.00002.
gnomAD v4.1: 16 of 1,612,832 alleles (0.00099%); highest among the groups gnomAD compares: Non-Finnish European, 0.0013%; no homozygotes.

Submissions (3):

Blueprint Genetics
Classification: Uncertain significance. Last evaluated: 2024-08-27. Review status: criteria provided, single submitter. Criteria: ACMG Guidelines, 2015. Collection method: clinical testing. Allele origin: germline.

Women's Health and Genetics/Laboratory Corporation of America, LabCorp
Classification: Uncertain significance. Last evaluated: 2023-12-14. Review status: criteria provided, single submitter. Criteria: LabCorp Variant Classification Summary - May 2015. Collection method: clinical testing. Allele origin: germline.
Comment: Variant summary: NEU1 c.869G>A (p.Arg290Gln) results in a conservative amino acid change located in the Sialidase (IPR011040) of the encoded protein sequence. Four of five in-silico tools predict a damaging effect of the variant on protein function. The variant allele was found at a frequency of 8.1e-06 in 246480 control chromosomes. The available data on variant occurrences in the general population are insufficient to allow any conclusion about variant significance. c.869G>A has been reported in trans along with a VUS missense in one individual affected with infantile Sialidosis II (example, Perez-Cabeza_2018). These report(s) do not provide unequivocal conclusions about association of the variant with Sialidosis. To our knowledge, no experimental evidence demonstrating an impact on protein function has been reported. The following publication have been ascertained in the context of this evaluation (PMID: 30445145). One submitter has cited clinical-significance assessments for this variant to ClinVar after 2014 and has classified the variant as likely pathogenic. Based on the evidence outlined above, the variant was classified as uncertain significance.

CeGaT Center for Human Genetics Tuebingen
Classification: Likely pathogenic. Last evaluated: 2022-04-01. Review status: criteria provided, single submitter. Criteria: CeGaT Center For Human Genetics Tuebingen Variant Classification Criteria Version 2. Collection method: clinical testing. Allele origin: germline. Affected: yes. Observed: 4 variant alleles.

Literature cited by the submitters: PubMed 30445145 (cited by Women's Health and Genetics/Laboratory Corporation of America, LabCorp).